The following is an entry in ClinVar:

ClinVar aggregate classification (germline): Uncertain significance (0 of 4 stars; one submission).

Conditions:
FOXC1-related disorder. Also called: FOXC1-related condition.

gnomAD v4.1: 2 of 1,200,372 alleles (0.00017%); highest among the groups gnomAD compares: African/African-American, 0.0033%; no homozygotes.

Submission:

PreventionGenetics, part of Exact Sciences
Classification: Uncertain significance for FOXC1-related condition. Last evaluated: 2024-04-17. Review status: no assertion criteria provided. Collection method: clinical testing. Allele origin: germline.
Comment: The FOXC1 c.1112C>T variant is predicted to result in the amino acid substitution p.Ala371Val. This variant has been reported with uncertain significance in an individual with a congenital heart defect (Ekure et al. 2021. PubMed ID: 33448881). This variant has not been reported in a large population database, indicating this variant is rare. At this time, the clinical significance of this variant is uncertain due to the absence of conclusive functional and genetic evidence.

NM_001453.3(FOXC1):c.1112C>T (p.Ala371Val)

Gene: FOXC1 (forkhead box C1; plus strand). Cytogenetic location: 6p25.3.
Variant type: single nucleotide variant.
Coding change: c.1112C>T on transcript NM_001453.3 (MANE Select); coding-DNA position 1112, C replaced by T.
Protein change: p.Ala371Val; replaces alanine 371 with valine.
Molecular consequence: missense variant.
Genome position (GRCh38, 1-based): chr6:1,611,557, C>T. VCF-style: chr6-1611557-C-T. GRCh37 (hg19) VCF-style: chr6-1611792-C-T.
Other names: short protein forms A371V.
Identifiers: ClinVar variation 3345452 (VCV003345452.1).